The following is an entry in ClinVar:

NM_000975.5(RPL11):c.136_157+26del

Gene: RPL11 (ribosomal protein L11; plus strand). Cytogenetic location: 1p36.11.
Variant type: Deletion.
Coding change: c.136_157+26del on transcript NM_000975.5 (MANE Select); coding-DNA position 136 through 26 bases into the intron after coding-DNA position 157, 48 bases deleted.
Molecular consequence: splice donor variant.
Genome position (GRCh38, 1-based): chr1:23,692,738-23,692,785, 48 bases deleted; deleting any 48 consecutive bases within chr1:23,692,732-23,692,785 gives the same sequence; the c. name uses the placement nearest the transcript's 3' end. GRCh37 (hg19): chr1:24,019,228-24,019,275.
Other names: c.133_154+26del (NM_001199802.1).
Identifiers: ClinVar variation 1466773 (VCV001466773.6), dbSNP rs2124429146, ClinGen allele CA2573132150.

ClinVar aggregate classification (germline): Likely pathogenic (1 of 4 stars; one submission).

Conditions:
Diamond-Blackfan anemia. Also called: Blackfan Diamond syndrome; Aregenerative anemia chronic congenital; Red cell aplasia, pure hereditary; Congenital hypoplastic anemia; Aase syndrome. Identifiers: Orphanet 124, MedGen C1260899, MeSH D029503, MONDO:0015253, HP:0004810.

Submission:

Labcorp Genetics (formerly Invitae), Labcorp
Classification: Likely pathogenic for Diamond-Blackfan anemia. Last evaluated: 2021-06-03. Review status: criteria provided, single submitter. Criteria: Invitae Variant Classification Sherloc (09022015). Collection method: clinical testing. Allele origin: germline.
Comment: This variant has not been reported in the literature in individuals with RPL11-related conditions. In summary, the currently available evidence indicates that the variant is pathogenic, but additional data are needed to prove that conclusively. Therefore, this variant has been classified as Likely Pathogenic. Algorithms developed to predict the effect of sequence changes on RNA splicing suggest that this variant may disrupt the consensus splice site, but this prediction has not been confirmed by published transcriptional studies. This variant is not present in population databases (ExAC no frequency). This variant results in the deletion of part of exon 2 (c.136_157+26del) of the RPL11 gene. It is expected to disrupt RNA splicing. Variants that disrupt the donor or acceptor splice site typically lead to a loss of protein function (PMID: 16199547), and loss-of-function variants in RPL11 are known to be pathogenic (PMID: 19061985, 19773262).

Literature cited by the submitters: PubMed 16199547; PubMed 19061985; PubMed 19773262.